The following is an entry in ClinVar:

NM_002458.3(MUC5B):c.16713+10G>A

Gene: MUC5B (mucin 5B, oligomeric mucus/gel-forming; plus strand). Cytogenetic location: 11p15.5.
Variant type: single nucleotide variant.
Coding change: c.16713+10G>A on transcript NM_002458.3 (MANE Select); 10 bases into the intron after coding-DNA position 16713, G replaced by A.
Molecular consequence: intron variant.
Genome position (GRCh38, 1-based): chr11:1,259,071, G>A. VCF-style: chr11-1259071-G-A. GRCh37 (hg19) VCF-style: chr11-1280301-G-A.
Identifiers: ClinVar variation 164012 (VCV000164012.7), dbSNP rs2249686, ClinGen allele CA176784.

ClinVar aggregate classification (germline): Benign. Review status: criteria provided, multiple submitters, no conflicts (2 of 4 stars). 3 submissions from 3 submitters: Benign (3). Last evaluated 2021-06-19.

Allele frequency attached by ClinVar (database versions not stated): gnomAD 0.06471 and 0.06629; 1000 Genomes Project 30x 0.06371; ESP Exome Variant Server 0.04924; TOPMed 0.06207; 1000 Genomes Project 0.06450; ExAC 0.08373; gnomAD exomes 0.08727.
gnomAD v4.1: 115,480 of 1,545,492 alleles (7.5%); highest among the groups gnomAD compares: Admixed American, 11%; 4,771 homozygotes.

Submissions (3):

GeneDx
Classification: Benign. Last evaluated: 2021-06-19. Review status: criteria provided, single submitter. Criteria: GeneDx Variant Classification Process June 2021. Collection method: clinical testing. Allele origin: germline. Affected: yes.

Laboratory for Molecular Medicine, Mass General Brigham Personalized Medicine
Classification: Benign. Last evaluated: 2013-02-21. Review status: criteria provided, single submitter. Criteria: LMM Criteria. Collection method: clinical testing. Allele origin: germline. Observed: 29 variant alleles.
Comment: 16713+10G>A in intron 44 of MUC5B: This variant is not expected to have clinical significance because it is not located within the conserved splice consensus se quence. It has been identified in 6.5% (497/7704) of European American chromosom es from a broad population by the NHLBI Exome Sequencing Project (.; dbSNP rs2249686).

Breakthrough Genomics
Classification: Benign. Review status: criteria provided, single submitter. Criteria: ACMG Guidelines, 2015. Collection method: not provided. Allele origin: germline. Inheritance: Autosomal dominant inheritance. Affected: yes.